The following is an entry in ClinVar:

NM_001190274.2(FBXO11):c.945A>C (p.Lys315Asn)

Gene: FBXO11 (F-box protein 11; minus strand). Cytogenetic location: 2p16.3.
Variant type: single nucleotide variant.
Coding change: c.945A>C on transcript NM_001190274.2 (MANE Select); coding-DNA position 945, A replaced by C.
Protein change: p.Lys315Asn; replaces lysine 315 with asparagine.
Molecular consequence: missense variant.
Genome position (GRCh38, 1-based): chr2:47,833,060, T>G on the plus strand (A>C on the coding strand, the complement: FBXO11 is on the minus strand). VCF-style: chr2-47833060-T-G. GRCh37 (hg19) VCF-style: chr2-48060199-T-G.
Other names: c.693A>C, p.Lys231Asn (NM_001374325.1, NM_025133.4); short protein forms K231N, K315N.
Identifiers: ClinVar variation 1187018 (VCV001187018.2), dbSNP rs139178411, ClinGen allele CA346766231.

ClinVar aggregate classification (germline): Uncertain significance (1 of 4 stars; one submission).

gnomAD v4.1: 2 of 1,610,246 alleles (0.00012%); highest among the groups gnomAD compares: Non-Finnish European, 0.00017%; no homozygotes.

Submission:

GeneDx
Classification: Uncertain significance. Last evaluated: 2018-12-31. Review status: criteria provided, single submitter. Criteria: GeneDx Variant Classification Process June 2021. Collection method: clinical testing. Allele origin: germline. Affected: yes.
Comment: Not observed in large population cohorts (Lek et al., 2016); In silico analysis, which includes protein predictors and evolutionary conservation, supports that this variant does not alter protein structure/function; Has not been previously published as pathogenic or benign to our knowledge